The following is an entry in ClinVar:

ClinVar aggregate classification (germline): Uncertain significance. Review status: criteria provided, multiple submitters, no conflicts (2 of 4 stars). 2 submissions from 2 submitters: Uncertain significance (2). Last evaluated 2024-05-30.

Conditions:
Fanconi anemia complementation group J. Also called: BRIP1-Related Fanconi Anemia. Identifiers: Orphanet 84, MedGen C1836860, MONDO:0012187, OMIM 609054.
Familial cancer of breast. Also called: hereditary breast carcinoma; Hereditary breast cancer; BREAST CANCER, FAMILIAL. Identifiers: Orphanet 227535, MedGen C0346153, MONDO:0016419, OMIM 114480. Disease mechanism: loss of function.
Hereditary cancer-predisposing syndrome. Also called: Neoplastic Syndromes, Hereditary; Hereditary neoplastic syndrome; Hereditary Cancer Syndrome; Tumor predisposition. Identifiers: Orphanet 140162, MedGen C0027672, MeSH D009386, MONDO:0015356.

Submissions (2):

Ambry Genetics
Classification: Uncertain significance for Hereditary cancer-predisposing syndrome. Last evaluated: 2024-05-30. Review status: criteria provided, single submitter. Criteria: Ambry Variant Classification Scheme 2023. Collection method: clinical testing. Allele origin: germline.
Comment: The p.S697P variant (also known as c.2089T>C), located in coding exon 13 of the BRIP1 gene, results from a T to C substitution at nucleotide position 2089. The serine at codon 697 is replaced by proline, an amino acid with similar properties. This amino acid position is highly conserved in available vertebrate species. In addition, this alteration is predicted to be deleterious by in silico analysis. Based on the available evidence, the clinical significance of this variant remains unclear.

Labcorp Genetics (formerly Invitae), Labcorp
Classification: Uncertain significance for Familial cancer of breast; Fanconi anemia complementation group J. Last evaluated: 2018-11-05. Review status: criteria provided, single submitter. Criteria: Invitae Variant Classification Sherloc (09022015). Collection method: clinical testing. Allele origin: germline.
Comment: This sequence change replaces serine with proline at codon 697 of the BRIP1 protein (p.Ser697Pro). The serine residue is highly conserved and there is a moderate physicochemical difference between serine and proline. This variant is not present in population databases (ExAC no frequency). This variant has not been reported in the literature in individuals with BRIP1-related disease. Algorithms developed to predict the effect of missense changes on protein structure and function (SIFT, PolyPhen-2, Align-GVGD) all suggest that this variant is likely to be disruptive, but these predictions have not been confirmed by published functional studies and their clinical significance is uncertain. In summary, the available evidence is currently insufficient to determine the role of this variant in disease. Therefore, it has been classified as a Variant of Uncertain Significance.

NM_032043.3(BRIP1):c.2089T>C (p.Ser697Pro)

Gene: BRIP1 (BRCA1 interacting DNA helicase 1; minus strand). Cytogenetic location: 17q23.2.
Variant type: single nucleotide variant.
Coding change: c.2089T>C on transcript NM_032043.3 (MANE Select); coding-DNA position 2089, T replaced by C.
Protein change: p.Ser697Pro; replaces serine 697 with proline.
Molecular consequence: missense variant.
Genome position (GRCh38, 1-based): chr17:61,776,409, A>G on the plus strand (T>C on the coding strand, the complement: BRIP1 is on the minus strand). VCF-style: chr17-61776409-A-G. GRCh37 (hg19) VCF-style: chr17-59853770-A-G.
Other names: short protein forms S697P.
Identifiers: ClinVar variation 655384 (VCV000655384.10), dbSNP rs1603328426, ClinGen allele CA400477990.